The following is an entry in ClinVar:

ClinVar aggregate classification (germline): Uncertain significance. Review status: criteria provided, multiple submitters, no conflicts (2 of 4 stars). 3 submissions from 3 submitters: Uncertain significance (3). Last evaluated 2026-02-19.

Conditions:
Inborn genetic diseases. Identifiers: MedGen C0950123, MeSH D030342.
Ehlers-Danlos syndrome, spondylodysplastic type, 2 (EDSSPD2). Also called: Ehlers-Danlos syndrome, progeroid type, 2. Identifiers: Orphanet 536467, Orphanet 75496, MedGen C3809210, MONDO:0014139, OMIM 615349.
Spondyloepimetaphyseal dysplasia with joint laxity (SEMDJL). Identifiers: MedGen C0432243, MONDO:0019675.

Allele frequency attached by ClinVar (database versions not stated): gnomAD 0.00001; TOPMed 0.00005.
gnomAD v4.1: 5 of 1,556,920 alleles (0.00032%); highest among the groups gnomAD compares: Admixed American, 0.0056%; no homozygotes.

Submissions (3):

Women's Health and Genetics/Laboratory Corporation of America, LabCorp
Classification: Uncertain significance. Last evaluated: 2026-02-19. Review status: criteria provided, single submitter. Criteria: LabCorp Variant Classification Summary - May 2015. Collection method: clinical testing. Allele origin: germline.
Comment: Variant summary: B3GALT6 c.803C>T (p.Ser268Phe) results in a non-conservative amino acid change in the encoded protein sequence. Algorithms developed to predict the effect of missense changes on protein structure and function are either unavailable or do not agree on the potential impact of this missense change. The variant was absent in 158976 control chromosomes. The available data on variant occurrences in the general population are insufficient to allow any conclusion about variant significance. To our knowledge, no occurrence of c.803C>T in individuals affected with B3GALT6-related conditions and no experimental evidence demonstrating its impact on protein function have been reported. ClinVar contains an entry for this variant (Variation ID: 1425911). Based on the evidence outlined above, the variant was classified as uncertain significance.

Labcorp Genetics (formerly Invitae), Labcorp
Classification: Uncertain significance for Ehlers-Danlos syndrome, spondylodysplastic type, 2; Spondyloepimetaphyseal dysplasia with joint laxity. Last evaluated: 2024-10-29. Review status: criteria provided, single submitter. Criteria: Invitae Variant Classification Sherloc (09022015). Collection method: clinical testing. Allele origin: germline.
Comment: This sequence change replaces serine, which is neutral and polar, with phenylalanine, which is neutral and non-polar, at codon 268 of the B3GALT6 protein (p.Ser268Phe). This variant is not present in population databases (gnomAD no frequency). This variant has not been reported in the literature in individuals affected with B3GALT6-related conditions. ClinVar contains an entry for this variant (Variation ID: 1425911). Invitae Evidence Modeling of protein sequence and biophysical properties (such as structural, functional, and spatial information, amino acid conservation, physicochemical variation, residue mobility, and thermodynamic stability) indicates that this missense variant is expected to disrupt B3GALT6 protein function with a positive predictive value of 80%. In summary, the available evidence is currently insufficient to determine the role of this variant in disease. Therefore, it has been classified as a Variant of Uncertain Significance.

Ambry Genetics
Classification: Uncertain significance for Inborn genetic diseases. Last evaluated: 2024-03-08. Review status: criteria provided, single submitter. Criteria: Ambry Variant Classification Scheme 2023. Collection method: clinical testing. Allele origin: germline.

NM_080605.4(B3GALT6):c.803C>T (p.Ser268Phe)

Gene: B3GALT6 (beta-1,3-galactosyltransferase 6; plus strand). Cytogenetic location: 1p36.33.
Variant type: single nucleotide variant.
Coding change: c.803C>T on transcript NM_080605.4 (MANE Select); coding-DNA position 803, C replaced by T.
Protein change: p.Ser268Phe; replaces serine 268 with phenylalanine.
Molecular consequence: missense variant.
Genome position (GRCh38, 1-based): chr1:1,233,081, C>T. VCF-style: chr1-1233081-C-T. GRCh37 (hg19) VCF-style: chr1-1168461-C-T.
Other names: c.803C>T (NM_080605.3); short protein forms S268F.
Identifiers: ClinVar variation 1425911 (VCV001425911.7), dbSNP rs1638568014, ClinGen allele CA337829668.
Genomic context (GRCh38, chr1:1,233,081, plus strand): 5'-GGCTGGCGCCGGTGGACGTCCAGCGGGAGCACGACCCGCGCTTCGACACCGAATACCGGT[C>T]CCGCGGCTGCAGCAACCAGTACCTGGTGACGCACAAGCAGAGCCTGGAGGACATGCTGGA-3'
Protein context (NP_542172.2, residues 258-278): HDPRFDTEYR[Ser268Phe]RGCSNQYLVT